The following is an entry in ClinVar:

ClinVar aggregate classification (germline): Uncertain significance (1 of 4 stars; one submission).

Conditions:
MKS1-related disorder. Also called: MKS1-related disorders; MKS1-related condition. Identifiers: MedGen CN239382.

Submission:

PreventionGenetics, part of Exact Sciences
Classification: Uncertain significance for MKS1-related condition. Last evaluated: 2026-01-14. Review status: criteria provided, single submitter. Criteria: ACMG Guidelines, 2015. Collection method: clinical testing. Allele origin: germline.
Comment: The MKS1 c.34G>A variant is predicted to result in the amino acid substitution p.Glu12Lys. To our knowledge, this variant has not been reported in the literature or in a large population database (gnomAD), indicating this variant is rare. At this time, the clinical significance of this variant is uncertain due to the absence of conclusive functional and genetic evidence.

NM_017777.4(MKS1):c.34G>A (p.Glu12Lys)

Genes: MKS1 (MKS transition zone complex subunit 1; minus strand), LOC130061271 (ATAC-STARR-seq lymphoblastoid active region 12461; plus strand). Cytogenetic location: 17q22.
Variant type: single nucleotide variant.
Coding change: c.34G>A on transcript NM_017777.4 (MANE Select); coding-DNA position 34, G replaced by A.
Protein change: p.Glu12Lys; replaces glutamic acid 12 with lysine.
Molecular consequence: missense variant. On other transcripts: 5 prime UTR variant (1).
Genome position (GRCh38, 1-based): chr17:58,219,197, C>T on the plus strand (G>A on the coding strand, the complement: MKS1 is on the minus strand). VCF-style: chr17-58219197-C-T. GRCh37 (hg19) VCF-style: chr17-56296558-C-T.
Other names: c.-478G>A (NM_001321268.2); c.34G>A, p.Glu12Lys (NM_001321269.2, NM_001330397.2, NM_001411113.1); short protein forms E12K.
Identifiers: ClinVar variation 4982463 (VCV004982463.1).